The following is an entry in ClinVar:

ClinVar aggregate classification (germline): Uncertain significance. Review status: criteria provided, multiple submitters, no conflicts (2 of 4 stars). 2 submissions from 2 submitters: Uncertain significance (2). Last evaluated 2025-03-31.

Conditions:
Inborn genetic diseases. Identifiers: MedGen C0950123, MeSH D030342.
Congenital myasthenic syndrome 8. Also called: Myasthenic syndrome, congenital, 8, with pre- and postsynaptic defects; MYASTHENIC SYNDROME, CONGENITAL, DUE TO AGRIN DEFICIENCY. Identifiers: Orphanet 590, MedGen C3808739, MONDO:0014052, OMIM 615120.

Allele frequency attached by ClinVar (database versions not stated): TOPMed 0.00016; ExAC 0.00013; ESP Exome Variant Server 0.00054; gnomAD exomes 0.00004.
gnomAD v4.1: 78 of 1,590,284 alleles (0.0049%); highest among the groups gnomAD compares: African/African-American, 0.067%; 1 homozygote.

Submissions (2):

Ambry Genetics
Classification: Uncertain significance for Inborn genetic diseases. Last evaluated: 2025-03-31. Review status: criteria provided, single submitter. Criteria: Ambry Variant Classification Scheme 2023. Collection method: clinical testing. Allele origin: germline.

Labcorp Genetics (formerly Invitae), Labcorp
Classification: Uncertain significance for Congenital myasthenic syndrome 8. Last evaluated: 2022-07-26. Review status: criteria provided, single submitter. Criteria: Invitae Variant Classification Sherloc (09022015). Collection method: clinical testing. Allele origin: germline.
Comment: This sequence change replaces valine, which is neutral and non-polar, with methionine, which is neutral and non-polar, at codon 1512 of the AGRN protein (p.Val1512Met). This variant is present in population databases (rs201212251, gnomAD 0.06%). This variant has not been reported in the literature in individuals affected with AGRN-related conditions. ClinVar contains an entry for this variant (Variation ID: 1020615). Algorithms developed to predict the effect of missense changes on protein structure and function are either unavailable or do not agree on the potential impact of this missense change (SIFT: "Deleterious"; PolyPhen-2: "Probably Damaging"; Align-GVGD: "Class C0"). In summary, the available evidence is currently insufficient to determine the role of this variant in disease. Therefore, it has been classified as a Variant of Uncertain Significance.

NM_198576.4(AGRN):c.4534G>A (p.Val1512Met)

Gene: AGRN (agrin; plus strand). Cytogenetic location: 1p36.33.
Variant type: single nucleotide variant.
Coding change: c.4534G>A on transcript NM_198576.4 (MANE Select); coding-DNA position 4534, G replaced by A.
Protein change: p.Val1512Met; replaces valine 1512 with methionine.
Molecular consequence: missense variant.
Genome position (GRCh38, 1-based): chr1:1,049,585, G>A. VCF-style: chr1-1049585-G-A. GRCh37 (hg19) VCF-style: chr1-984965-G-A.
Other names: c.4534G>A, p.Val1512Met (NM_001305275.2); c.4219G>A, p.Val1407Met (NM_001364727.2); c.4534G>A (NM_198576.3); short protein forms V1407M, V1512M.
Identifiers: ClinVar variation 1020615 (VCV001020615.7), dbSNP rs201212251, ClinGen allele CA509526.